The following is an entry in ClinVar:

NM_015450.3(POT1):c.1090G>T (p.Ala364Ser)

Gene: POT1 (protection of telomeres 1; minus strand). Cytogenetic location: 7q31.33.
Variant type: single nucleotide variant.
Coding change: c.1090G>T on transcript NM_015450.3 (MANE Select); coding-DNA position 1090, G replaced by T.
Protein change: p.Ala364Ser; replaces alanine 364 with serine.
Molecular consequence: missense variant. On other transcripts: non-coding transcript variant (3).
Genome position (GRCh38, 1-based): chr7:124,842,880, C>A on the plus strand (G>T on the coding strand, the complement: POT1 is on the minus strand). VCF-style: chr7-124842880-C-A. GRCh37 (hg19) VCF-style: chr7-124482934-C-A.
Other names: c.697G>T, p.Ala233Ser (NM_001042594.2); short protein forms A233S, A364S.
Identifiers: ClinVar variation 4141936 (VCV004141936.1).

ClinVar aggregate classification (germline): Uncertain significance (1 of 4 stars; one submission).

Conditions:
Hereditary cancer-predisposing syndrome. Also called: Hereditary neoplastic syndrome; Neoplastic Syndromes, Hereditary; Tumor predisposition; Hereditary Cancer Syndrome. Identifiers: Orphanet 140162, MedGen C0027672, MeSH D009386, MONDO:0015356.

Submission:

Ambry Genetics
Classification: Uncertain significance for Hereditary cancer-predisposing syndrome. Last evaluated: 2025-07-18. Review status: criteria provided, single submitter. Criteria: Ambry Variant Classification Scheme 2023. Collection method: clinical testing. Allele origin: germline.
Comment: The p.A364S variant (also known as c.1090G>T), located in coding exon 9 of the POT1 gene, results from a G to T substitution at nucleotide position 1090. The alanine at codon 364 is replaced by serine, an amino acid with similar properties. This amino acid position is conserved. In addition, the in silico prediction for this alteration is inconclusive. Based on the available evidence, the clinical significance of this variant remains unclear.